The following continues an entry in ClinVar:

NM_001282531.3(ADNP):c.2496_2499del (p.Asn832fs)

Gene: ADNP. ClinVar aggregate classification (germline): Pathogenic. Pathogenic (17).

Submissions 11 to 21 of 21:

Ambry Genetics
Classification: Pathogenic for Inborn genetic diseases. Last evaluated: 2022-06-14. Review status: criteria provided, single submitter. Criteria: Ambry Variant Classification Scheme 2023. Collection method: clinical testing. Allele origin: germline.
Comment: The c.2496_2499delTAAA (p.N832Kfs*81) alteration, located in exon 5 (coding exon 3) of the ADNP gene, consists of a deletion of 4 nucleotides from position 2496 to 2499, causing a translational frameshift with a predicted alternate stop codon after 81 amino acids. This alteration occurs at the 3' terminus of the ADNP gene, is not expected to trigger nonsense-mediated mRNA decay, and impacts the last 24.5% of the protein. Premature stop codons are typically deleterious in nature and a significant portion of the protein is affected. This variant was not reported in population-based cohorts in the Genome Aggregation Database (gnomAD). This alteration was detected as a de novo occurrence in multiple individuals with neurodevelopmental disorders (Helsmoortel, 2014; Gozes, 2017; Van Dijck, 2019; Shillington, 2020). Functional analysis was performed using immunolabeling of the well-established heterochromatin marker HP1&alpha; to verify co-localization of ADNP with heterochromatin. While the p.N832Kfs*81 alteration co-localized with HP1, researchers noted that specific enrichment at pericentromeric heterochromatin seemed partially lost (Cappuyns, 2018). Based on the available evidence, this alteration is classified as pathogenic.

GeneDx
Classification: Pathogenic. Last evaluated: 2022-04-24. Review status: criteria provided, single submitter. Criteria: GeneDx Variant Classification Process June 2021. Collection method: clinical testing. Allele origin: germline. Affected: yes.
Comment: Frameshift variant in the C-terminus predicted to result in protein truncation, as the last 271 amino acids are lost and replaced with 80 incorrect amino acids (HGMD); Not observed in large population cohorts (gnomAD); This variant is associated with the following publications: (PMID: 26845106, 29724491, 24531329, 24866042, 25533962, 28191890, 30107084, 28221363, 29911927, 28135719, 32275126, 32758449, 31526516, 32719394, 31785789, 33004838, 25326635)

Athena Diagnostics
Classification: Pathogenic. Last evaluated: 2020-10-21. Review status: criteria provided, single submitter. Criteria: Athena Diagnostics Criteria. Collection method: clinical testing. Allele origin: unknown.
Comment: ADNP frameshift variants are known to be pathogenic and multiple frameshift variants in this region have been reported in patients with Helsmoortel-van der Aa syndrome (PMID: 29724491, 24531329). This variant has been reported to occur de novo in multiple individuals with clinical features associated with this gene (PMID:24531329, 28221363, 32275126). This variant has not been reported in large, multi-ethnic general populations.This observation is not an independent occurrence and has been identified in the same individual by RCIGM, the other laboratory participating in the GEMINI study.

Revvity Omics, Revvity
Classification: Pathogenic for ADNP-related multiple congenital anomalies - intellectual disability - autism spectrum disorder. Last evaluated: 2020-02-24. Review status: criteria provided, single submitter. Criteria: ACMG Guidelines, 2015. Collection method: clinical testing. Allele origin: germline.

CeGaT Center for Human Genetics Tuebingen
Classification: Pathogenic. Last evaluated: 2018-04-01. Review status: criteria provided, single submitter. Criteria: CeGaT Center For Human Genetics Tuebingen Variant Classification Criteria Version 2. Collection method: clinical testing. Allele origin: germline. Affected: yes. Observed: 1 variant allele.

Baylor Genetics
Classification: Pathogenic for ADNP-related multiple congenital anomalies - intellectual disability - autism spectrum disorder. Last evaluated: 2017-09-01. Review status: criteria provided, single submitter. Criteria: ACMG Guidelines, 2015. Collection method: clinical testing. Allele origin: de novo. Inheritance: Autosomal dominant inheritance. Affected: yes.

Juno Genomics, Hangzhou Juno Genomics, Inc
Classification: Pathogenic for ADNP-related multiple congenital anomalies - intellectual disability - autism spectrum disorder. Review status: criteria provided, single submitter. Criteria: ACMG Guidelines, 2015. Collection method: clinical testing. Allele origin: germline. Affected: yes.
Comment: Absent from controls (or at extremely low frequency if recessive) in Genome Aggregation Database, Exome Sequencing Project, 1000 Genomes Project, or Exome Aggregation Consortium.;Null variant in a gene where loss of function (LOF) is a known mechanism of disease.;De novo (both maternity and paternity confirmed) in a patient with the disease and no family history.;The prevalence of the variant in affected individuals is significantly increased compared to the prevalence in controls.

Molecular Genetics laboratory, Necker Hospital
Classification: Likely pathogenic. Last evaluated: 2018-04-26. Review status: no assertion criteria provided. Collection method: clinical testing. Allele origin: de novo. Affected: yes. Not counted in ClinVar's aggregate classification.

Laboratory of Molecular Genetics (Pr. Bezieau's lab), CHU de Nantes
Classification: Pathogenic. Last evaluated: 2016-12-14. Review status: no assertion criteria provided. Collection method: clinical testing. Allele origin: germline. Affected: yes. Not counted in ClinVar's aggregate classification.

OMIM
Classification: Pathogenic for HELSMOORTEL-VAN DER AA SYNDROME. Last evaluated: 2014-04-01. Review status: no assertion criteria provided. Collection method: literature only. Allele origin: germline. Not counted in ClinVar's aggregate classification.

GeneReviews
No classification provided. Condition: ADNP-related multiple congenital anomalies - intellectual disability - autism spectrum disorder. Review status: no classification provided. Collection method: literature only. Allele origin: germline. Not counted in ClinVar's aggregate classification.
Comment: All other pathogenic variants are heterozygous frameshift or nonsense variants in the 3-prime end of 5th (last) exon of ADNP and predict a premature termination

Literature cited by the submitters: PubMed 32275126 (cited by 3 submitters); PubMed 24531329 (cited by 9 submitters); PubMed 29724491 (cited by 3 submitters); PubMed 25533962 (cited by Variantyx, Inc.); PubMed 28221363 (cited by 4 submitters); PubMed 29911927 (cited by Variantyx, Inc. and Ambry Genetics); PubMed 31526516 (cited by Variantyx, Inc.); PubMed 31785789 (cited by Variantyx, Inc.); PubMed 32719394 (cited by Variantyx, Inc.); PubMed 33057194 (cited by Variantyx, Inc.); PubMed 34547244 (cited by Variantyx, Inc.); PubMed 35982160 (cited by Variantyx, Inc.); PubMed 26845106 (cited by Variantyx, Inc.); PubMed 28135719 (cited by Variantyx, Inc.); PubMed 28191890 (cited by Variantyx, Inc.); PubMed 37432431 (cited by Women's Health and Genetics/Laboratory Corporation of America, LabCorp); PubMed 35813072 (cited by Women's Health and Genetics/Laboratory Corporation of America, LabCorp); PubMed 25326635 (cited by Baylor Genetics).